The following is an entry in ClinVar:

NM_001321967.2(ATAD1):c.246C>A (p.Asp82Glu)

Gene: ATAD1 (ATPase family AAA domain containing 1; minus strand). Cytogenetic location: 10q23.31.
Variant type: single nucleotide variant.
Coding change: c.246C>A on transcript NM_001321967.2 (MANE Select); coding-DNA position 246, C replaced by A.
Protein change: p.Asp82Glu; replaces aspartic acid 82 with glutamic acid.
Molecular consequence: missense variant. On other transcripts: 5 prime UTR variant (1), non-coding transcript variant (1).
Genome position (GRCh38, 1-based): chr10:87,792,672, G>T on the plus strand (C>A on the coding strand, the complement: ATAD1 is on the minus strand). VCF-style: chr10-87792672-G-T. GRCh37 (hg19) VCF-style: chr10-89552429-G-T.
Other names: c.246C>A, p.Asp82Glu (NM_001321968.2, NM_032810.4); c.-202C>A (NM_001321969.2); short protein forms D82E.
Identifiers: ClinVar variation 1998598 (VCV001998598.4), dbSNP rs2493260153, ClinGen allele CA377492303.

ClinVar aggregate classification (germline): Uncertain significance (1 of 4 stars; one submission).

Submission:

Labcorp Genetics (formerly Invitae), Labcorp
Classification: Uncertain significance. Last evaluated: 2025-11-10. Review status: criteria provided, single submitter. Criteria: Invitae Variant Classification Sherloc (09022015). Collection method: clinical testing. Allele origin: germline.
Comment: This sequence change replaces aspartic acid, which is acidic and polar, with glutamic acid, which is acidic and polar, at codon 82 of the ATAD1 protein (p.Asp82Glu). This variant is not present in population databases (gnomAD no frequency). This variant has not been reported in the literature in individuals affected with ATAD1-related conditions. ClinVar contains an entry for this variant (Variation ID: 1998598). An algorithm developed to predict the effect of missense changes on protein structure and function (PolyPhen-2) suggests that this variant is likely to be tolerated. In summary, the available evidence is currently insufficient to determine the role of this variant in disease. Therefore, it has been classified as a Variant of Uncertain Significance.